The following is an entry in ClinVar:

ClinVar aggregate classification (germline): Conflicting classifications of pathogenicity. Review status: criteria provided, conflicting classifications (1 of 4 stars). 3 submissions from 3 submitters: Uncertain significance (1); Likely benign (1). 1 of the submissions does not count toward it. Last evaluated 2024-04-26.

Conditions:
JAGN1-related disorder. Also called: JAGN1-related condition.
Autosomal recessive severe congenital neutropenia due to JAGN1 deficiency. Also called: Severe congenital neutropenia 6, autosomal recessive. Identifiers: Orphanet 423384, MedGen C4014954, MONDO:0014456, OMIM 616022.

Allele frequency attached by ClinVar (database versions not stated): gnomAD 0.00003; gnomAD exomes 0.00004 and 0.00009; ExAC 0.00020; 1000 Genomes Project 0.00040; 1000 Genomes Project 30x 0.00047.
gnomAD v4.1: 68 of 1,598,654 alleles (0.0043%); highest among the groups gnomAD compares: South Asian, 0.074%; no homozygotes.

Submissions (3):

Blueprint Genetics
Classification: Likely benign. Last evaluated: 2024-04-26. Review status: criteria provided, single submitter. Criteria: ACMG Guidelines, 2015. Collection method: clinical testing. Allele origin: germline.

Labcorp Genetics (formerly Invitae), Labcorp
Classification: Uncertain significance for Autosomal recessive severe congenital neutropenia due to JAGN1 deficiency. Last evaluated: 2022-03-06. Review status: criteria provided, single submitter. Criteria: Invitae Variant Classification Sherloc (09022015). Collection method: clinical testing. Allele origin: germline.
Comment: This sequence change falls in intron 1 of the JAGN1 gene. It does not directly change the encoded amino acid sequence of the JAGN1 protein. It affects a nucleotide within the consensus splice site. This variant is present in population databases (rs571856698, gnomAD 0.07%). This variant has not been reported in the literature in individuals affected with JAGN1-related conditions. ClinVar contains an entry for this variant (Variation ID: 1057517). Variants that disrupt the consensus splice site are a relatively common cause of aberrant splicing (PMID: 17576681, 9536098). Algorithms developed to predict the effect of sequence changes on RNA splicing suggest that this variant is not likely to affect RNA splicing. In summary, the available evidence is currently insufficient to determine the role of this variant in disease. Therefore, it has been classified as a Variant of Uncertain Significance.

PreventionGenetics, part of Exact Sciences
Classification: Likely benign for JAGN1-related condition. Last evaluated: 2020-03-16. Review status: no assertion criteria provided. Collection method: clinical testing. Allele origin: germline. Not counted in ClinVar's aggregate classification.
Comment: This variant is classified as likely benign based on ACMG/AMP sequence variant interpretation guidelines (Richards et al. 2015 PMID: 25741868, with internal and published modifications).

Literature cited by the submitters: PubMed 17576681 (cited by Labcorp Genetics (formerly Invitae), Labcorp); PubMed 9536098 (cited by Labcorp Genetics (formerly Invitae), Labcorp).

NM_032492.4(JAGN1):c.89+4T>C

Gene: JAGN1 (jagunal vesicle mediated transporter 1; plus strand). Cytogenetic location: 3p25.3.
Variant type: single nucleotide variant.
Coding change: c.89+4T>C on transcript NM_032492.4 (MANE Select); 4 bases into the intron after coding-DNA position 89, T replaced by C.
Molecular consequence: intron variant.
Genome position (GRCh38, 1-based): chr3:9,890,815, T>C. VCF-style: chr3-9890815-T-C. GRCh37 (hg19) VCF-style: chr3-9932499-T-C.
Other names: c.-180+4T>C (NM_001363890.1); c.89+4T>C (NM_032492.3).
Identifiers: ClinVar variation 1057517 (VCV001057517.5), dbSNP rs571856698, ClinGen allele CA2245801.